The following is an entry in ClinVar:

NM_032898.5(CEP19):c.295A>G (p.Ile99Val)

Gene: CEP19 (centrosomal protein 19; minus strand). Cytogenetic location: 3q29.
Variant type: single nucleotide variant.
Coding change: c.295A>G on transcript NM_032898.5 (MANE Select); coding-DNA position 295, A replaced by G.
Protein change: p.Ile99Val; replaces isoleucine 99 with valine.
Molecular consequence: missense variant.
Genome position (GRCh38, 1-based): chr3:196,707,748, T>C on the plus strand (A>G on the coding strand, the complement: CEP19 is on the minus strand). VCF-style: chr3-196707748-T-C. GRCh37 (hg19) VCF-style: chr3-196434619-T-C.
Other names: c.190A>G, p.Ile64Val (NM_001379468.1); c.295A>G, p.Ile99Val (NM_001379469.1, NM_001379470.1); short protein forms I64V, I99V.
Identifiers: ClinVar variation 1035690 (VCV001035690.5), dbSNP rs1711579193, ClinGen allele CA355634337.

ClinVar aggregate classification (germline): Uncertain significance (1 of 4 stars; one submission).

Submission:

Labcorp Genetics (formerly Invitae), Labcorp
Classification: Uncertain significance. Last evaluated: 2020-03-17. Review status: criteria provided, single submitter. Criteria: Invitae Variant Classification Sherloc (09022015). Collection method: clinical testing. Allele origin: germline.
Comment: In summary, the available evidence is currently insufficient to determine the role of this variant in disease. Therefore, it has been classified as a Variant of Uncertain Significance. Algorithms developed to predict the effect of missense changes on protein structure and function output the following: SIFT: "Tolerated"; PolyPhen-2: "Benign"; Align-GVGD: "Class C0". The valine amino acid residue is found in multiple mammalian species, suggesting that this missense change does not adversely affect protein function. These predictions have not been confirmed by published functional studies and their clinical significance is uncertain. This variant has not been reported in the literature in individuals with CEP19-related conditions. This variant is not present in population databases (ExAC no frequency). This sequence change replaces isoleucine with valine at codon 103 of the CEP19 protein (p.Ile103Val). The isoleucine residue is moderately conserved and there is a small physicochemical difference between isoleucine and valine.